The following is an entry in ClinVar:

NM_001715.3(BLK):c.1029+7G>A

Genes: BLK (BLK proto-oncogene, Src family tyrosine kinase), BLK-AS1 (BLK antisense RNA 1). Cytogenetic location: 8p23.1.
Variant type: single nucleotide variant.
Coding change: c.1029+7G>A on transcript NM_001715.3 (MANE Select); 7 bases into the intron after coding-DNA position 1029, G replaced by A.
Molecular consequence: intron variant.
Genome position (GRCh38, 1-based): chr8:11,558,045, G>A. VCF-style: chr8-11558045-G-A. GRCh37 (hg19) VCF-style: chr8-11415554-G-A.
Other names: c.816+7G>A (NM_001330465.2).
Identifiers: ClinVar variation 3031188 (VCV003031188.2), dbSNP rs1438606997, ClinGen allele CA579796015.

ClinVar aggregate classification (germline): Likely benign (0 of 4 stars; one submission).

Conditions:
BLK-related disorder. Also called: BLK-related condition.

Submission:

PreventionGenetics, part of Exact Sciences
Classification: Likely benign for BLK-related condition. Last evaluated: 2020-12-16. Review status: no assertion criteria provided. Collection method: clinical testing. Allele origin: germline.
Comment: This variant is classified as likely benign based on ACMG/AMP sequence variant interpretation guidelines (Richards et al. 2015 PMID: 25741868, with internal and published modifications).